The following is an entry in ClinVar:

NM_000256.3(MYBPC3):c.3090_3095del (p.Phe1031_Ile1032del)

Gene: MYBPC3 (myosin binding protein C3; minus strand). Cytogenetic location: 11p11.2.
Variant type: Deletion.
Coding change: c.3090_3095del on transcript NM_000256.3 (MANE Select); coding-DNA positions 3090 to 3095, 6 bases deleted (GTTCAT; older notation c.3090_3095delGTTCAT).
Protein change: p.Phe1031_Ile1032del.
Genome position (GRCh38, 1-based): chr11:47,333,652-47,333,657, ATGAAC deleted on the plus strand (GTTCAT on the coding strand, the reverse complement: MYBPC3 is on the minus strand); deleting any 6 consecutive bases within chr11:47,333,652-47,333,658 gives the same sequence; the c. name uses the placement nearest the transcript's 3' end. VCF-style (leftmost placement, unchanged base first): chr11-47333651-GATGAAC-G. GRCh37 (hg19) VCF-style: chr11-47355202-GATGAAC-G.
Identifiers: ClinVar variation 4526636 (VCV004526636.1).

ClinVar aggregate classification (germline): Uncertain significance (1 of 4 stars; one submission).

Conditions:
Hypertrophic cardiomyopathy 4. Also called: Familial hypertrophic cardiomyopathy 4. Identifiers: MedGen C1861862, MONDO:0007268, OMIM 115197.

Submission:

Regional Center For Medical Genetics Timis, Louis Turcanu Emergency Hospital for Children Timisoara
Classification: Uncertain significance for Hypertrophic cardiomyopathy 4. Last evaluated: 2025-02-20. Review status: criteria provided, single submitter. Criteria: ACMG Guidelines, 2015. Collection method: clinical testing. Allele origin: germline. Affected: yes.
Comment: The variant is absent from the presumed healthy population (gnomAD). In silico predictions indicate that this region is highly conserved, supporting potential pathogenicity. The variant may affect an exonic splicing regulatory element, although predictions are inconclusive. It results in a protein shortened by two amino acids without altering the reading frame. To our knowledge, the variant has not been previously reported in the literature. Based on the available evidence, this variant has been classified as of uncertain significance (VUS).